The following is an entry in ClinVar:

NM_007254.4(PNKP):c.304C>T (p.Leu102=)

Gene: PNKP (polynucleotide kinase 3'-phosphatase; minus strand). Cytogenetic location: 19q13.33.
Variant type: single nucleotide variant.
Coding change: c.304C>T on transcript NM_007254.4 (MANE Select); coding-DNA position 304, C replaced by T.
Protein change: p.Leu102=; no amino-acid change (leucine 102 retained).
Molecular consequence: synonymous variant.
Genome position (GRCh38, 1-based): chr19:49,865,321, G>A on the plus strand (C>T on the coding strand, the complement: PNKP is on the minus strand). VCF-style: chr19-49865321-G-A. GRCh37 (hg19) VCF-style: chr19-50368578-G-A.
Identifiers: ClinVar variation 3047225 (VCV003047225.2), dbSNP rs2074810270, ClinGen allele CA508297009.

ClinVar aggregate classification (germline): Likely benign (0 of 4 stars; one submission).

Conditions:
PNKP-related disorder. Also called: PNKP-related condition; PNKP-related disorders.

Submission:

PreventionGenetics, part of Exact Sciences
Classification: Likely benign for PNKP-related condition. Last evaluated: 2020-12-09. Review status: no assertion criteria provided. Collection method: clinical testing. Allele origin: germline.
Comment: This variant is classified as likely benign based on ACMG/AMP sequence variant interpretation guidelines (Richards et al. 2015 PMID: 25741868, with internal and published modifications).